The following is an entry in ClinVar:

NM_014425.5(INVS):c.273+3G>A

Gene: INVS (inversin; plus strand). Cytogenetic location: 9q31.1.
Variant type: single nucleotide variant.
Coding change: c.273+3G>A on transcript NM_014425.5 (MANE Select); 3 bases into the intron after coding-DNA position 273, G replaced by A.
Molecular consequence: intron variant.
Genome position (GRCh38, 1-based): chr9:100,126,552, G>A. VCF-style: chr9-100126552-G-A. GRCh37 (hg19) VCF-style: chr9-102888834-G-A.
Other names: c.-104+3G>A (NM_001318381.2); c.-717+3G>A (NM_001318382.2).
Identifiers: ClinVar variation 1465038 (VCV001465038.7), dbSNP rs2118895764, ClinGen allele CA2573143641.

ClinVar aggregate classification (germline): Uncertain significance. Review status: criteria provided, multiple submitters, no conflicts (2 of 4 stars). 2 submissions from 2 submitters: Uncertain significance (2). Last evaluated 2024-09-06.

Conditions:
Nephronophthisis. Also called: Juvenile Nephronophthisis. Identifiers: Orphanet 655, MedGen C0687120, MONDO:0019005, HP:0000090.
Infantile nephronophthisis (NPHP2). Also called: Nephronophthisis 2; Nephronophthisis 2, infantile. Identifiers: Orphanet 655, Orphanet 93591, MedGen C1865872, MONDO:0011190, OMIM 602088.

Allele frequency attached by ClinVar (database versions not stated): gnomAD exomes below 0.00001.
gnomAD v4.1: 2 of 1,614,120 alleles (0.00012%); highest among the groups gnomAD compares: Non-Finnish European, 0.00017%; no homozygotes.

Submissions (2):

Labcorp Genetics (formerly Invitae), Labcorp
Classification: Uncertain significance for Nephronophthisis. Last evaluated: 2024-09-06. Review status: criteria provided, single submitter. Criteria: Invitae Variant Classification Sherloc (09022015). Collection method: clinical testing. Allele origin: germline.
Comment: This sequence change falls in intron 3 of the INVS gene. It does not directly change the encoded amino acid sequence of the INVS protein. It affects a nucleotide within the consensus splice site. This variant is not present in population databases (gnomAD no frequency). This variant has not been reported in the literature in individuals affected with INVS-related conditions. ClinVar contains an entry for this variant (Variation ID: 1465038). Variants that disrupt the consensus splice site are a relatively common cause of aberrant splicing (PMID: 17576681, 9536098). Algorithms developed to predict the effect of sequence changes on RNA splicing suggest that this variant is not likely to affect RNA splicing. In summary, the available evidence is currently insufficient to determine the role of this variant in disease. Therefore, it has been classified as a Variant of Uncertain Significance.

Fulgent Genetics
Classification: Uncertain significance for Infantile nephronophthisis. Last evaluated: 2022-01-17. Review status: criteria provided, single submitter. Criteria: ACMG Guidelines, 2015. Collection method: clinical testing. Allele origin: unknown.

Literature cited by the submitters: PubMed 17576681 (cited by Labcorp Genetics (formerly Invitae), Labcorp); PubMed 9536098 (cited by Labcorp Genetics (formerly Invitae), Labcorp).